The following is an entry in ClinVar:

ClinVar aggregate classification (germline): Conflicting classifications of pathogenicity. Review status: criteria provided, conflicting classifications (1 of 4 stars). 3 submissions from 3 submitters: Uncertain significance (1); Benign (2). Last evaluated 2026-02-01.

Conditions:
Primary ciliary dyskinesia. Also called: Ciliary dyskinesia. Identifiers: Orphanet 244, MedGen C0008780, MONDO:0016575, HP:0012265.

Allele frequency attached by ClinVar (database versions not stated): gnomAD 0.00003 and 0.00004; TOPMed 0.00008.
gnomAD v4.1: 51 of 1,613,728 alleles (0.0032%); highest among the groups gnomAD compares: East Asian, 0.076%; no homozygotes.

Submissions (3):

Labcorp Genetics (formerly Invitae), Labcorp
Classification: Benign for Primary ciliary dyskinesia. Last evaluated: 2026-02-01. Review status: criteria provided, single submitter. Criteria: Invitae Variant Classification Sherloc (09022015). Collection method: clinical testing. Allele origin: germline.

GeneDx
Classification: Uncertain significance. Last evaluated: 2025-11-21. Review status: criteria provided, single submitter. Criteria: GeneDx Variant Classification Process June 2021. Collection method: clinical testing. Allele origin: germline. Affected: yes.
Comment: In silico analysis supports that this missense variant has a deleterious effect on protein structure/function; Has not been previously published as pathogenic or benign to our knowledge

Ambry Genetics
Classification: Benign for Primary ciliary dyskinesia. Last evaluated: 2024-03-01. Review status: criteria provided, single submitter. Criteria: Ambry Variant Classification Scheme 2023. Collection method: clinical testing. Allele origin: germline.

NM_001277115.2(DNAH11):c.9818A>C (p.Glu3273Ala)

Gene: DNAH11 (dynein axonemal heavy chain 11; plus strand). Cytogenetic location: 7p15.3.
Variant type: single nucleotide variant.
Coding change: c.9818A>C on transcript NM_001277115.2 (MANE Select); coding-DNA position 9818, A replaced by C.
Protein change: p.Glu3273Ala; replaces glutamic acid 3273 with alanine.
Molecular consequence: missense variant.
Genome position (GRCh38, 1-based): chr7:21,787,477, A>C. VCF-style: chr7-21787477-A-C. GRCh37 (hg19) VCF-style: chr7-21827095-A-C.
Other names: short protein forms E3273A.
Identifiers: ClinVar variation 859079 (VCV000859079.10), dbSNP rs753829743, ClinGen allele CA4182122.